The following is an entry in ClinVar:

NM_005220.3(DLX3):c.-64C>T

Gene: DLX3 (distal-less homeobox 3; minus strand). Cytogenetic location: 17q21.33.
Variant type: single nucleotide variant.
Coding change: c.-64C>T on transcript NM_005220.3 (MANE Select); 64 bases upstream of the start codon, C replaced by T.
Molecular consequence: 5 prime UTR variant.
Genome position (GRCh38, 1-based): chr17:49,995,062, G>A on the plus strand (C>T on the coding strand, the complement: DLX3 is on the minus strand). VCF-style: chr17-49995062-G-A. GRCh37 (hg19) VCF-style: chr17-48072426-G-A.
Identifiers: ClinVar variation 324028 (VCV000324028.9), dbSNP rs2278163, ClinGen allele CA10640035.

ClinVar aggregate classification (germline): Benign. Review status: criteria provided, multiple submitters, no conflicts (2 of 4 stars). 3 submissions from 3 submitters: Benign (3). Last evaluated 2018-11-11.

Conditions:
Hypomaturation-hypoplastic amelogenesis imperfecta with taurodontism. Also called: Amelogenesis imperfecta, type IV. Identifiers: Orphanet 100034, Orphanet 88661, MedGen C1863012, MONDO:0007093, OMIM 104510. Disease mechanism: loss of function.

Allele frequency attached by ClinVar (database versions not stated): gnomAD exomes 0.25334; gnomAD 0.26785 and 0.27570; TOPMed 0.27749; 1000 Genomes Project 30x 0.36883; 1000 Genomes Project 0.38259.

Submissions (3):

GeneDx
Classification: Benign. Last evaluated: 2018-11-11. Review status: criteria provided, single submitter. Criteria: GeneDx Variant Classification Process June 2021. Collection method: clinical testing. Allele origin: germline. Affected: yes.

Illumina Laboratory Services, Illumina
Classification: Benign for Hypomaturation-hypoplastic amelogenesis imperfecta with taurodontism. Last evaluated: 2018-01-13. Review status: criteria provided, single submitter. Criteria: ICSL Variant Classification Criteria 13 December 2019. Collection method: clinical testing. Allele origin: germline.
Comment: This variant was observed in the ICSL laboratory as part of a predisposition screen in an ostensibly healthy population. It had not been previously curated by ICSL or reported in the Human Gene Mutation Database (HGMD: prior to June 1st, 2018), and was therefore a candidate for classification through an automated scoring system. Utilizing variant allele frequency, disease prevalence and penetrance estimates, and inheritance mode, an automated score was calculated to assess if this variant is too frequent to cause the disease. Based on the score and internal cut-off values, a variant classified as benign is not then subjected to further curation. The score for this variant resulted in a classification of benign for this disease.

Breakthrough Genomics
Classification: Benign. Review status: criteria provided, single submitter. Criteria: ACMG Guidelines, 2015. Collection method: not provided. Allele origin: germline. Inheritance: Autosomal dominant inheritance. Affected: yes.